The following is an entry in ClinVar:

ClinVar aggregate classification (germline): Uncertain significance (1 of 4 stars; one submission).

Conditions:
Cornelia de Lange syndrome 5 (CDLS5). Also called: HDAC8-Related Cornelia de Lange Syndrome. Identifiers: Orphanet 199, MedGen C3550903, MONDO:0010471, OMIM 300882.

Allele frequency attached by ClinVar (database versions not stated): TOPMed below 0.00001.

Submission:

Labcorp Genetics (formerly Invitae), Labcorp
Classification: Uncertain significance for Cornelia de Lange syndrome 5. Last evaluated: 2023-12-01. Review status: criteria provided, single submitter. Criteria: Invitae Variant Classification Sherloc (09022015). Collection method: clinical testing. Allele origin: germline.
Comment: This sequence change replaces alanine, which is neutral and non-polar, with glutamic acid, which is acidic and polar, at codon 8 of the HDAC8 protein (p.Ala8Glu). This variant is not present in population databases (gnomAD no frequency). This variant has not been reported in the literature in individuals affected with HDAC8-related conditions. Advanced modeling of protein sequence and biophysical properties (such as structural, functional, and spatial information, amino acid conservation, physicochemical variation, residue mobility, and thermodynamic stability) performed at Invitae indicates that this missense variant is not expected to disrupt HDAC8 protein function with a negative predictive value of 95%. In summary, the available evidence is currently insufficient to determine the role of this variant in disease. Therefore, it has been classified as a Variant of Uncertain Significance.

NM_018486.3(HDAC8):c.23C>A (p.Ala8Glu)

Gene: HDAC8 (histone deacetylase 8; minus strand). Cytogenetic location: Xq13.1.
Variant type: single nucleotide variant.
Coding change: c.23C>A on transcript NM_018486.3 (MANE Select); coding-DNA position 23, C replaced by A.
Protein change: p.Ala8Glu; replaces alanine 8 with glutamic acid.
Molecular consequence: missense variant. On other transcripts: non-coding transcript variant (1).
Genome position (GRCh38, 1-based): chrX:72,572,739, G>T on the plus strand (C>A on the coding strand, the complement: HDAC8 is on the minus strand). VCF-style: chrX-72572739-G-T. GRCh37 (hg19) VCF-style: chrX-71792589-G-T.
Other names: c.23C>A, p.Ala8Glu (NM_001166418.2, NM_001166419.2, NM_001166420.2 and 7 more transcripts); short protein forms A8E.
Identifiers: ClinVar variation 2700230 (VCV002700230.3), dbSNP rs1325734647, ClinGen allele CA413577491.